The following is an entry in ClinVar:

NC_000002.11:g.(?_15618330)_(15618433_?)del

Gene: NBAS (NBAS subunit of NRZ tethering complex; minus strand). Cytogenetic location: 2p24.3.
Variant type: Deletion.
Identifiers: ClinVar variation 2426221 (VCV002426221.4).

ClinVar aggregate classification (germline): Pathogenic (1 of 4 stars; one submission).

Submission:

Labcorp Genetics (formerly Invitae), Labcorp
Classification: Pathogenic. Last evaluated: 2022-01-28. Review status: criteria provided, single submitter. Criteria: Invitae Variant Classification Sherloc (09022015). Collection method: clinical testing. Allele origin: germline.
Comment: This variant is a gross deletion of the genomic region encompassing exon(s) 13 of the NBAS gene. This deletion is out-of-frame, and is expected to create a premature termination codon and result in an absent or disrupted protein product. Loss-of-function variants in NBAS are known to be pathogenic (PMID: 26073778, 26541327, 27789416, 28031453). For these reasons, this variant has been classified as Pathogenic. This variant has not been reported in the literature in individuals affected with NBAS-related conditions.

Literature cited by the submitters: PubMed 26073778; PubMed 26541327; PubMed 27789416; PubMed 28031453.